The following is an entry in ClinVar:

NM_032043.3(BRIP1):c.1289T>A (p.Ile430Lys)

Gene: BRIP1 (BRCA1 interacting DNA helicase 1; minus strand). Cytogenetic location: 17q23.2.
Variant type: single nucleotide variant.
Coding change: c.1289T>A on transcript NM_032043.3 (MANE Select); coding-DNA position 1289, T replaced by A.
Protein change: p.Ile430Lys; replaces isoleucine 430 with lysine.
Molecular consequence: missense variant.
Genome position (GRCh38, 1-based): chr17:61,799,151, A>T on the plus strand (T>A on the coding strand, the complement: BRIP1 is on the minus strand). VCF-style: chr17-61799151-A-T. GRCh37 (hg19) VCF-style: chr17-59876512-A-T.
Other names: short protein forms I430K.
Identifiers: ClinVar variation 2109845 (VCV002109845.5), dbSNP rs1555607077, ClinGen allele CA400483516.

ClinVar aggregate classification (germline): Uncertain significance. Review status: criteria provided, multiple submitters, no conflicts (2 of 4 stars). 2 submissions from 2 submitters: Uncertain significance (2). Last evaluated 2026-07-06.

Conditions:
Familial cancer of breast. Also called: Hereditary breast cancer; BREAST CANCER, FAMILIAL; hereditary breast carcinoma. Identifiers: Orphanet 227535, MedGen C0346153, MONDO:0016419, OMIM 114480. Disease mechanism: loss of function.
Fanconi anemia complementation group J. Also called: BRIP1-Related Fanconi Anemia. Identifiers: Orphanet 84, MedGen C1836860, MONDO:0012187, OMIM 609054.
Hereditary cancer-predisposing syndrome. Also called: Tumor predisposition; Hereditary Cancer Syndrome; Hereditary neoplastic syndrome; Neoplastic Syndromes, Hereditary. Identifiers: Orphanet 140162, MedGen C0027672, MeSH D009386, MONDO:0015356.

Submissions (2):

Ambry Genetics
Classification: Uncertain significance for Hereditary cancer-predisposing syndrome. Last evaluated: 2026-07-06. Review status: criteria provided, single submitter. Criteria: Ambry Variant Classification Scheme 2023. Collection method: clinical testing. Allele origin: germline.
Comment: The p.I430K variant (also known as c.1289T>A), located in coding exon 8 of the BRIP1 gene, results from a T to A substitution at nucleotide position 1289. The isoleucine at codon 430 is replaced by lysine, an amino acid with dissimilar properties. This amino acid position is conserved. In addition, the in silico prediction for this alteration is inconclusive. Based on the available evidence, the clinical significance of this variant remains unclear.

Labcorp Genetics (formerly Invitae), Labcorp
Classification: Uncertain significance for Familial cancer of breast; Fanconi anemia complementation group J. Last evaluated: 2022-03-12. Review status: criteria provided, single submitter. Criteria: Invitae Variant Classification Sherloc (09022015). Collection method: clinical testing. Allele origin: germline.
Comment: In summary, the available evidence is currently insufficient to determine the role of this variant in disease. Therefore, it has been classified as a Variant of Uncertain Significance. Algorithms developed to predict the effect of missense changes on protein structure and function are either unavailable or do not agree on the potential impact of this missense change (SIFT: "Deleterious"; PolyPhen-2: "Probably Damaging"; Align-GVGD: "Class C0"). This variant has not been reported in the literature in individuals affected with BRIP1-related conditions. This variant is not present in population databases (gnomAD no frequency). This sequence change replaces isoleucine, which is neutral and non-polar, with lysine, which is basic and polar, at codon 430 of the BRIP1 protein (p.Ile430Lys).